The following is an entry in ClinVar:

ClinVar aggregate classification (germline): Uncertain significance (1 of 4 stars; one submission).

Conditions:
Primary ciliary dyskinesia. Also called: Ciliary dyskinesia. Identifiers: Orphanet 244, MedGen C0008780, MONDO:0016575, HP:0012265.

gnomAD v4.1: 7 of 1,612,018 alleles (0.00043%); highest among the groups gnomAD compares: South Asian, 0.0022%; no homozygotes.

Submission:

Labcorp Genetics (formerly Invitae), Labcorp
Classification: Uncertain significance for Primary ciliary dyskinesia. Last evaluated: 2025-09-03. Review status: criteria provided, single submitter. Criteria: Invitae Variant Classification Sherloc (09022015). Collection method: clinical testing. Allele origin: germline.
Comment: This sequence change replaces arginine, which is basic and polar, with cysteine, which is neutral and slightly polar, at codon 40 of the DRC1 protein (p.Arg40Cys). This variant is not present in population databases (gnomAD no frequency). This variant has not been reported in the literature in individuals affected with DRC1-related conditions. Experimental studies and prediction algorithms are not available or were not evaluated, and the functional significance of this variant is currently unknown. In summary, the available evidence is currently insufficient to determine the role of this variant in disease. Therefore, it has been classified as a Variant of Uncertain Significance.

NM_145038.5(DRC1):c.118C>T (p.Arg40Cys)

Gene: DRC1 (dynein regulatory complex subunit 1; plus strand). Cytogenetic location: 2p23.3.
Variant type: single nucleotide variant.
Coding change: c.118C>T on transcript NM_145038.5 (MANE Select); coding-DNA position 118, C replaced by T.
Protein change: p.Arg40Cys; replaces arginine 40 with cysteine.
Molecular consequence: missense variant.
Genome position (GRCh38, 1-based): chr2:26,402,107, C>T. VCF-style: chr2-26402107-C-T. GRCh37 (hg19) VCF-style: chr2-26624975-C-T.
Other names: short protein forms R40C.
Identifiers: ClinVar variation 4798676 (VCV004798676.1).